The following is an entry in ClinVar:

NM_000530.8(MPZ):c.319T>C (p.Trp107Arg)

Gene: MPZ (myelin protein zero; minus strand). Cytogenetic location: 1q23.3.
Variant type: single nucleotide variant.
Coding change: c.319T>C on transcript NM_000530.8 (MANE Select); coding-DNA position 319, T replaced by C.
Protein change: p.Trp107Arg; replaces tryptophan 107 with arginine.
Molecular consequence: missense variant.
Genome position (GRCh38, 1-based): chr1:161,306,837, A>G on the plus strand (T>C on the coding strand, the complement: MPZ is on the minus strand). VCF-style: chr1-161306837-A-G. GRCh37 (hg19) VCF-style: chr1-161276627-A-G.
Other names: c.319T>C, p.Trp107Arg (NM_001315491.2); short protein forms W107R.
Identifiers: ClinVar variation 4725626 (VCV004725626.1).
Genomic context (GRCh38, chr1:161,306,837, plus strand): 5'-AAGTGAACGTGCCATTGTCACTGTAGTCTAGGTTGTGTATGACAATGGAGCCATCCTTCC[A>G]GCGAGGGTCCCCTACCCACTGGATGCGCTCTTTGAAGGTCCCCACCTCGTCAATGTAGGG-3'
Protein context (NP_000521.2, residues 97-117): ERIQWVGDPR[Trp107Arg]KDGSIVIHNL

ClinVar aggregate classification (germline): Uncertain significance (1 of 4 stars; one submission).

Conditions:
Charcot-Marie-Tooth disease, type I (CMT1). Also called: Charcot-Marie-Tooth, Type 1; Charcot-Marie-Tooth disease type 1. Identifiers: Orphanet 65753, MedGen C0751036, MONDO:0019011.

Submission:

Labcorp Genetics (formerly Invitae), Labcorp
Classification: Uncertain significance for Charcot-Marie-Tooth disease, type I. Last evaluated: 2025-06-15. Review status: criteria provided, single submitter. Criteria: Invitae Variant Classification Sherloc (09022015). Collection method: clinical testing. Allele origin: germline.
Comment: This sequence change replaces tryptophan, which is neutral and slightly polar, with arginine, which is basic and polar, at codon 107 of the MPZ protein (p.Trp107Arg). This variant is present in population databases (no rsID available, gnomAD 0.01%). This variant has not been reported in the literature in individuals affected with MPZ-related conditions. Invitae Evidence Modeling of protein sequence and biophysical properties (such as structural, functional, and spatial information, amino acid conservation, physicochemical variation, residue mobility, and thermodynamic stability) indicates that this missense variant is not expected to disrupt MPZ protein function with a negative predictive value of 80%. In summary, the available evidence is currently insufficient to determine the role of this variant in disease. Therefore, it has been classified as a Variant of Uncertain Significance.